The following is an entry in ClinVar:

NM_017514.5(PLXNA3):c.2581G>A (p.Val861Met)

Gene: PLXNA3 (plexin A3; plus strand). Cytogenetic location: Xq28.
Variant type: single nucleotide variant.
Coding change: c.2581G>A on transcript NM_017514.5 (MANE Select); coding-DNA position 2581, G replaced by A.
Protein change: p.Val861Met; replaces valine 861 with methionine.
Molecular consequence: missense variant.
Genome position (GRCh38, 1-based): chrX:154,465,983, G>A. VCF-style: chrX-154465983-G-A. GRCh37 (hg19) VCF-style: chrX-153694326-G-A.
Other names: short protein forms V861M.
Identifiers: ClinVar variation 5002434 (VCV005002434.1).

ClinVar aggregate classification (germline): Uncertain significance (1 of 4 stars; one submission).

Conditions:
PLXNA3-related disorder. Also called: PLXNA3-related condition.

gnomAD v4.1: 25 of 1,209,986 alleles (0.0021%); highest among the groups gnomAD compares: South Asian, 0.0035%; no homozygotes.

Submission:

PreventionGenetics, part of Exact Sciences
Classification: Uncertain significance for PLXNA3-related condition. Last evaluated: 2026-06-16. Review status: criteria provided, single submitter. Criteria: ACMG Guidelines, 2015. Collection method: clinical testing. Allele origin: germline.
Comment: The PLXNA3 c.2581G>A variant is predicted to result in the amino acid substitution p.Val861Met. To our knowledge, this variant has not been reported in the literature. This variant is reported in 0.0053% of alleles in individuals of African descent in gnomAD. At this time, the clinical significance of this variant is uncertain due to the absence of conclusive functional and genetic evidence.